The following is an entry in ClinVar:

ClinVar aggregate classification (germline): Uncertain significance (1 of 4 stars; one submission).

Allele frequency attached by ClinVar (database versions not stated): gnomAD exomes 0.00001.
gnomAD v4.1: 7 of 1,614,194 alleles (0.00043%); highest among the groups gnomAD compares: Non-Finnish European, 0.00059%; no homozygotes.

Submission:

Labcorp Genetics (formerly Invitae), Labcorp
Classification: Uncertain significance. Last evaluated: 2022-11-23. Review status: criteria provided, single submitter. Criteria: Invitae Variant Classification Sherloc (09022015). Collection method: clinical testing. Allele origin: germline.
Comment: This sequence change replaces glutamic acid, which is acidic and polar, with glycine, which is neutral and non-polar, at codon 916 of the DSG1 protein (p.Glu916Gly). This variant is not present in population databases (gnomAD no frequency). This variant has not been reported in the literature in individuals affected with DSG1-related conditions. Algorithms developed to predict the effect of missense changes on protein structure and function are either unavailable or do not agree on the potential impact of this missense change (SIFT: "Deleterious"; PolyPhen-2: "Possibly Damaging"; Align-GVGD: "Class C0"). In summary, the available evidence is currently insufficient to determine the role of this variant in disease. Therefore, it has been classified as a Variant of Uncertain Significance.

NM_001942.4(DSG1):c.2747A>G (p.Glu916Gly)

Genes: DSG1 (desmoglein 1; plus strand), DSG1-AS1 (DSG1 antisense RNA 1; minus strand). Cytogenetic location: 18q12.1.
Variant type: single nucleotide variant.
Coding change: c.2747A>G on transcript NM_001942.4 (MANE Select); coding-DNA position 2747, A replaced by G.
Protein change: p.Glu916Gly; replaces glutamic acid 916 with glycine.
Molecular consequence: missense variant.
Genome position (GRCh38, 1-based): chr18:31,354,943, A>G. VCF-style: chr18-31354943-A-G. GRCh37 (hg19) VCF-style: chr18-28934906-A-G.
Other names: short protein forms E916G.
Identifiers: ClinVar variation 2815917 (VCV002815917.3), dbSNP rs2071941296, ClinGen allele CA402124369.